The following is an entry in ClinVar:

ClinVar aggregate classification (germline): Pathogenic (1 of 4 stars; one submission).

Submission:

Labcorp Genetics (formerly Invitae), Labcorp
Classification: Pathogenic. Last evaluated: 2022-11-15. Review status: criteria provided, single submitter. Criteria: Invitae Variant Classification Sherloc (09022015). Collection method: clinical testing. Allele origin: germline.
Comment: For these reasons, this variant has been classified as Pathogenic. This variant has not been reported in the literature in individuals affected with RARS2-related conditions. This variant is a gross deletion of the genomic region encompassing exon(s) 1 of the RARS2 gene, which includes the initiator codon. This deletion extends beyond the assayed region for this gene and therefore may encompass additional genes. It is expected to result in an absent or disrupted protein product. Loss-of-function variants in RARS2 are known to be pathogenic (PMID: 17847012, 22569581, 26083569).

Literature cited by the submitters: PubMed 17847012; PubMed 22569581; PubMed 26083569.

NC_000006.12:g.(?_87585036)_(87590042_?)del

Gene: RARS2 (arginyl-tRNA synthetase 2, mitochondrial; minus strand). Cytogenetic location: 6q15.
Variant type: Deletion.
Identifiers: ClinVar variation 833127 (VCV000833127.5).